The following is an entry in ClinVar:

NM_000085.5(CLCNKB):c.80G>T (p.Arg27Leu)

Gene: CLCNKB (chloride voltage-gated channel Kb; plus strand). Cytogenetic location: 1p36.13.
Variant type: single nucleotide variant.
Coding change: c.80G>T on transcript NM_000085.5 (MANE Select); coding-DNA position 80, G replaced by T.
Protein change: p.Arg27Leu; replaces arginine 27 with leucine.
Molecular consequence: missense variant.
Genome position (GRCh38, 1-based): chr1:16,044,572, G>T. VCF-style: chr1-16044572-G-T. GRCh37 (hg19) VCF-style: chr1-16371067-G-T.
Other names: short protein forms R27L.
Identifiers: ClinVar variation 447107 (VCV000447107.27), dbSNP rs2015352, ClinGen allele CA623148.
Genomic context (GRCh38, chr1:16,044,572, plus strand): 5'-TGCGTGAAGGCTCCTCAGGGAACCCTGTGACTCTGCAGGAGCTGTGGGGCCCCTGTCCCC[G>T]CATCCGCCGAGGCATCCGAGGTGAGAGCCAGGTCCTCTTCCCTTCCCCCTGGAGGACCAC-3'
Protein context (NP_000076.2, residues 17-37): TLQELWGPCP[Arg27Leu]IRRGIRGGLE

ClinVar aggregate classification (germline): Benign. Review status: criteria provided, multiple submitters, no conflicts (2 of 4 stars). 12 submissions from 11 submitters: Benign (10). 2 of the submissions do not count toward it. Last evaluated 2026-06-30.

Conditions:
Bartter disease type 3. Also called: Bartter syndrome type 3. Identifiers: Orphanet 112, Orphanet 93605, MedGen C1846343, MONDO:0011822, OMIM 607364.
Bartter disease type 4B. Also called: BARTTER SYNDROME, TYPE 4B, NEONATAL, WITH SENSORINEURAL DEAFNESS; BARTTER SYNDROME, TYPE 4B; Bartter syndrome, type 4b, digenic. Identifiers: Orphanet 112, MedGen C4310805, MONDO:0000909, OMIM 613090.

Allele frequency attached by ClinVar (database versions not stated): ESP Exome Variant Server 0.52630; TOPMed 0.54469; 1000 Genomes Project 30x 0.55044; 1000 Genomes Project 0.55551.
gnomAD v4.1: 998,586 of 1,600,392 alleles (62%); highest among the groups gnomAD compares: Admixed American, 70%; 316,956 homozygotes.

Submissions (12):

Women's Health and Genetics/Laboratory Corporation of America, LabCorp
Classification: Benign. Last evaluated: 2026-06-30. Review status: criteria provided, single submitter. Criteria: LabCorp Variant Classification Summary - May 2015. Collection method: clinical testing. Allele origin: germline.

Labcorp Genetics (formerly Invitae), Labcorp
Classification: Benign. Last evaluated: 2026-02-04. Review status: criteria provided, single submitter. Criteria: Invitae Variant Classification Sherloc (09022015). Collection method: clinical testing. Allele origin: germline.

Blueprint Genetics
Classification: Benign. Last evaluated: 2024-11-26. Review status: criteria provided, single submitter. Criteria: ACMG Guidelines, 2015. Collection method: clinical testing. Allele origin: germline.

Mayo Clinic Laboratories, Mayo Clinic
Classification: Benign. Last evaluated: 2022-03-09. Review status: criteria provided, single submitter. Criteria: ACMG Guidelines, 2015. Collection method: clinical testing. Allele origin: germline. Observed: 159 variant alleles.

Genome-Nilou Lab
Classification: Benign for Bartter disease type 4B. Last evaluated: 2021-07-22. Review status: criteria provided, single submitter. Criteria: ACMG Guidelines, 2015. Collection method: clinical testing. Allele origin: germline. Affected: no.

Genome-Nilou Lab
Classification: Benign for Bartter disease type 3. Last evaluated: 2021-07-22. Review status: criteria provided, single submitter. Criteria: ACMG Guidelines, 2015. Collection method: clinical testing. Allele origin: germline. Affected: no.

GeneDx
Classification: Benign. Last evaluated: 2018-11-10. Review status: criteria provided, single submitter. Criteria: GeneDx Variant Classification Process June 2021. Collection method: clinical testing. Allele origin: germline. Affected: yes.

Athena Diagnostics
Classification: Benign. Last evaluated: 2017-08-02. Review status: criteria provided, single submitter. Criteria: Athena Diagnostics Criteria. Collection method: clinical testing. Allele origin: germline.

Laboratory for Molecular Medicine, Mass General Brigham Personalized Medicine
Classification: Benign. Last evaluated: 2016-03-21. Review status: criteria provided, single submitter. Criteria: LMM Criteria. Collection method: clinical testing. Allele origin: germline. Observed: 1 variant allele.
Comment: p.Arg27Leu in exon 2 of CLCNKB: This variant is not expected to have clinical si gnificance because it has been identified in 75.85% (6139/8094) of Latino chromo somes by the Exome Aggregation Consortium (ExAC; dbSNP rs2015352).

Breakthrough Genomics
Classification: Benign. Review status: criteria provided, single submitter. Criteria: ACMG Guidelines, 2015. Collection method: not provided. Allele origin: germline. Inheritance: Autosomal recessive inheritance. Affected: yes.

Diagnostic Laboratory, Department of Genetics, University Medical Center Groningen
Classification: Benign. Review status: no assertion criteria provided. Collection method: clinical testing. Allele origin: germline. Affected: yes. Study: VKGL Data-share Consensus. Not counted in ClinVar's aggregate classification.

Joint Genome Diagnostic Labs from Nijmegen and Maastricht, Radboudumc and MUMC+
Classification: Benign. Review status: no assertion criteria provided. Collection method: clinical testing. Allele origin: germline. Affected: yes. Study: VKGL Data-share Consensus. Not counted in ClinVar's aggregate classification.